The following is an entry in ClinVar:

NM_000535.7(PMS2):c.2446-2A>G

Gene: PMS2 (PMS1 homolog 2, mismatch repair system component; minus strand). Cytogenetic location: 7p22.1.
Variant type: single nucleotide variant.
Coding change: c.2446-2A>G on transcript NM_000535.7 (MANE Select); the canonical splice acceptor site of the intron before coding-DNA position 2446, A replaced by G.
Molecular consequence: splice acceptor variant.
Genome position (GRCh38, 1-based): chr7:5,973,544, T>C on the plus strand (A>G on the coding strand, the complement: PMS2 is on the minus strand). VCF-style: chr7-5973544-T-C. GRCh37 (hg19) VCF-style: chr7-6013175-T-C.
Other names: c.2128-2A>G (NM_001322008.2, NM_001406883.1, NM_001322007.2); c.2137-2A>G (NM_001406881.1, NM_001406879.1, NM_001322015.2 and 4 more transcripts); c.2041-2A>G (NM_001406895.1, NM_001322004.2, NM_001406889.1 and 11 more transcripts); c.1675-2A>G (NM_001406911.1); c.1885-2A>G (NM_001322010.2, NM_001406906.1, NM_001406907.1); c.1972-2A>G (NM_001406902.1, NM_001406901.1); c.1933-2A>G (NM_001406904.1, NM_001406905.1); c.1873-2A>G (NM_001322013.2, NM_001406908.1, NM_001406909.1); and 20 more.
Identifiers: ClinVar variation 265661 (VCV000265661.5), dbSNP rs886039709, ClinGen allele CA10588431.

ClinVar aggregate classification (germline): Likely pathogenic. Review status: criteria provided, multiple submitters, no conflicts (2 of 4 stars). 3 submissions from 3 submitters: Likely pathogenic (3). Last evaluated 2018-11-06.

Conditions:
Hereditary cancer-predisposing syndrome. Also called: Neoplastic Syndromes, Hereditary; Hereditary neoplastic syndrome; Hereditary Cancer Syndrome; Tumor predisposition. Identifiers: Orphanet 140162, MedGen C0027672, MeSH D009386, MONDO:0015356.

Submissions (3):

Ambry Genetics
Classification: Likely pathogenic for Hereditary cancer-predisposing syndrome. Last evaluated: 2018-11-06. Review status: criteria provided, single submitter. Criteria: Ambry Variant Classification Scheme 2023. Collection method: clinical testing. Allele origin: germline.
Comment: The c.2446-2A>G intronic variant results from an A to G substitution two nucleotides upstream from coding exon 15 of the PMS2 gene. This nucleotide position is highly conserved in available vertebrate species. Based on two different splice site prediction tools, this alteration is expected to abolish the native splice acceptor site; however experimental evidence is not currently available. Alterations that disrupt the canonical splice site are expected to cause aberrant splicing, resulting in an abnormal protein. As such, this alteration is classified as likely pathogenic.

Quest Diagnostics Nichols Institute San Juan Capistrano
Classification: Likely pathogenic. Last evaluated: 2017-06-13. Review status: criteria provided, single submitter. Criteria: Quest Diagnostics criteria. Collection method: clinical testing. Allele origin: germline.

GeneDx
Classification: Likely pathogenic. Last evaluated: 2016-08-11. Review status: criteria provided, single submitter. Criteria: GeneDx Variant Classification (06012015). Collection method: clinical testing. Allele origin: germline. Affected: yes.
Comment: This variant is denoted PMS2 c.2446-2A>G or IVS14-2A>G and consists of an A>G nucleotide substitution at the -2 position of intron 14 of the PMS2 gene. This variant destroys the canonical splice acceptor site and is predicted to cause skipping of terminal exon 15, including the stop codon. Such a deletion is predicted to result in an unstable transcript and subsequent degradation of the mRNA (Klauer 2012), or in an abnormal protein product. This variant has not, to our knowledge, been published in the literature. However, based on the currently available information, we consider PMS2 c.2446-2A>G to be a likely pathogenic variant.

Literature cited by the submitters: PubMed 22740367 (cited by Quest Diagnostics Nichols Institute San Juan Capistrano).